The following is an entry in ClinVar:

NM_001105206.3(LAMA4):c.2173+88_2173+91del

Gene: LAMA4 (laminin subunit alpha 4; minus strand). Cytogenetic location: 6q21.
Variant type: Microsatellite.
Coding change: c.2173+88_2173+91del on transcript NM_001105206.3 (MANE Select); bases 88 to 91 of the intron after coding-DNA position 2173, 4 bases deleted (TTGT; older notation c.2173+88_2173+91delTTGT).
Molecular consequence: intron variant.
Genome position (GRCh38, 1-based): chr6:112,150,420-112,150,423, ACAA deleted on the plus strand (TTGT on the coding strand, the reverse complement: LAMA4 is on the minus strand); deleting any 4 consecutive bases within chr6:112,150,420-112,150,428 gives the same sequence; the c. name uses the placement nearest the transcript's 3' end. VCF-style (leftmost placement, unchanged base first): chr6-112150419-GACAA-G. GRCh37 (hg19) VCF-style: chr6-112471621-GACAA-G.
Other names: c.2152+88_2152+91del (NM_002290.5, NM_001105207.3).
Identifiers: ClinVar variation 673043 (VCV000673043.1), dbSNP rs3832396, ClinGen allele CA3965559.

ClinVar aggregate classification (germline): Benign (1 of 4 stars; one submission).

Submission:

GeneDx
Classification: Benign. Last evaluated: 2018-06-15. Review status: criteria provided, single submitter. Criteria: GeneDx Variant Classification (06012015). Collection method: clinical testing. Allele origin: germline. Affected: yes.
Comment: This variant is considered likely benign or benign based on one or more of the following criteria: it is a conservative change, it occurs at a poorly conserved position in the protein, it is predicted to be benign by multiple in silico algorithms, and/or has population frequency not consistent with disease.